The following is an entry in ClinVar:

NM_001184.4(ATR):c.3691G>T (p.Ala1231Ser)

Gene: ATR (ATR checkpoint kinase; minus strand). Cytogenetic location: 3q23.
Variant type: single nucleotide variant.
Coding change: c.3691G>T on transcript NM_001184.4 (MANE Select); coding-DNA position 3691, G replaced by T.
Protein change: p.Ala1231Ser; replaces alanine 1231 with serine.
Molecular consequence: missense variant.
Genome position (GRCh38, 1-based): chr3:142,538,516, C>A on the plus strand (G>T on the coding strand, the complement: ATR is on the minus strand). VCF-style: chr3-142538516-C-A. GRCh37 (hg19) VCF-style: chr3-142257358-C-A.
Other names: c.3499G>T, p.Ala1167Ser (NM_001354579.2); short protein forms A1167S, A1231S.
Identifiers: ClinVar variation 2567827 (VCV002567827.2), dbSNP rs2108432297, ClinGen allele CA354807434.

ClinVar aggregate classification (germline): Uncertain significance (1 of 4 stars; one submission).

Conditions:
Inborn genetic diseases. Identifiers: MedGen C0950123, MeSH D030342.

Submission:

Ambry Genetics
Classification: Uncertain significance for Inborn genetic diseases. Last evaluated: 2023-05-08. Review status: criteria provided, single submitter. Criteria: Ambry Variant Classification Scheme 2023. Collection method: clinical testing. Allele origin: germline.
Comment: The p.A1231S variant (also known as c.3691G>T), located in coding exon 19 of the ATR gene, results from a G to T substitution at nucleotide position 3691. The alanine at codon 1231 is replaced by serine, an amino acid with similar properties. This amino acid position is conserved. In addition, this alteration is predicted to be tolerated by in silico analysis. Since supporting evidence is limited at this time, the clinical significance of this alteration remains unclear.